The following is an entry in ClinVar:

NM_080473.5(GATA5):c.586T>C (p.Ser196Pro)

Gene: GATA5 (GATA binding protein 5; minus strand). Cytogenetic location: 20q13.33.
Variant type: single nucleotide variant.
Coding change: c.586T>C on transcript NM_080473.5 (MANE Select); coding-DNA position 586, T replaced by C.
Protein change: p.Ser196Pro; replaces serine 196 with proline.
Molecular consequence: missense variant.
Genome position (GRCh38, 1-based): chr20:62,473,516, A>G on the plus strand (T>C on the coding strand, the complement: GATA5 is on the minus strand). VCF-style: chr20-62473516-A-G. GRCh37 (hg19) VCF-style: chr20-61048572-A-G.
Other names: c.586T>C (NM_080473.4); short protein forms S196P.
Identifiers: ClinVar variation 1411907 (VCV001411907.7), dbSNP rs368830497, ClinGen allele CA9946276.

ClinVar aggregate classification (germline): Uncertain significance. Review status: criteria provided, multiple submitters, no conflicts (2 of 4 stars). 2 submissions from 2 submitters: Uncertain significance (2). Last evaluated 2025-03-11.

Allele frequency attached by ClinVar (database versions not stated): gnomAD 0.00001; gnomAD exomes 0.00001 and 0.00002; TOPMed 0.00001; ExAC 0.00003; ESP Exome Variant Server 0.00008.

Submissions (2):

Ambry Genetics
Classification: Uncertain significance. Last evaluated: 2025-03-11. Review status: criteria provided, single submitter. Criteria: Ambry Variant Classification Scheme 2023. Collection method: clinical testing. Allele origin: germline.

Labcorp Genetics (formerly Invitae), Labcorp
Classification: Uncertain significance. Last evaluated: 2024-09-16. Review status: criteria provided, single submitter. Criteria: Invitae Variant Classification Sherloc (09022015). Collection method: clinical testing. Allele origin: germline.
Comment: This sequence change replaces serine, which is neutral and polar, with proline, which is neutral and non-polar, at codon 196 of the GATA5 protein (p.Ser196Pro). The frequency data for this variant in the population databases is considered unreliable, as metrics indicate poor data quality at this position in the gnomAD database. This variant has not been reported in the literature in individuals affected with GATA5-related conditions. ClinVar contains an entry for this variant (Variation ID: 1411907). Invitae Evidence Modeling of protein sequence and biophysical properties (such as structural, functional, and spatial information, amino acid conservation, physicochemical variation, residue mobility, and thermodynamic stability) indicates that this missense variant is expected to disrupt GATA5 protein function with a positive predictive value of 80%. In summary, the available evidence is currently insufficient to determine the role of this variant in disease. Therefore, it has been classified as a Variant of Uncertain Significance.